The following is an entry in ClinVar:

ClinVar aggregate classification (germline): Uncertain significance (1 of 4 stars; one submission).

Allele frequency attached by ClinVar (database versions not stated): ExAC 0.00021.

Submission:

GeneDx
Classification: Uncertain significance. Last evaluated: 2026-10-07. Review status: criteria provided, single submitter. Criteria: GeneDx Variant Classification Process June 2021. Collection method: clinical testing. Allele origin: germline.
Comment: In silico analysis suggests that this missense variant does not alter protein structure/function; Has not been previously published as pathogenic or benign to our knowledge

NM_001128228.3(TPRN):c.839C>G (p.Thr280Ser)

Gene: TPRN (taperin; minus strand). Cytogenetic location: 9q34.3.
Variant type: single nucleotide variant.
Coding change: c.839C>G on transcript NM_001128228.3 (MANE Select); coding-DNA position 839, C replaced by G.
Protein change: p.Thr280Ser; replaces threonine 280 with serine.
Molecular consequence: missense variant.
Genome position (GRCh38, 1-based): chr9:137,199,873, G>C on the plus strand (C>G on the coding strand, the complement: TPRN is on the minus strand). VCF-style: chr9-137199873-G-C. GRCh37 (hg19) VCF-style: chr9-140094325-G-C.
Other names: short protein forms T280S.
Identifiers: ClinVar variation 2430775 (VCV002430775.2), dbSNP rs751841555, ClinGen allele CA5362880.